The following is an entry in ClinVar:

NM_007373.4(SHOC2):c.556T>G (p.Ser186Ala)

Gene: SHOC2 (SHOC2 leucine rich repeat scaffold protein; plus strand). Cytogenetic location: 10q25.2.
Variant type: single nucleotide variant.
Coding change: c.556T>G on transcript NM_007373.4 (MANE Select); coding-DNA position 556, T replaced by G.
Protein change: p.Ser186Ala; replaces serine 186 with alanine.
Molecular consequence: missense variant.
Genome position (GRCh38, 1-based): chr10:110,964,914, T>G. VCF-style: chr10-110964914-T-G. GRCh37 (hg19) VCF-style: chr10-112724672-T-G.
Other names: c.556T>G, p.Ser186Ala (NM_001269039.3, NM_001324336.2, NM_001324337.2); short protein forms S186A.
Identifiers: ClinVar variation 996269 (VCV000996269.2), dbSNP rs1000163945, ClinGen allele CA378386010.

ClinVar aggregate classification (germline): Uncertain significance. Review status: criteria provided, multiple submitters, no conflicts (2 of 4 stars). 2 submissions from 2 submitters: Uncertain significance (2). Last evaluated 2025-12-31.

Conditions:
RASopathy. Also called: Noonan spectrum disorder; rasopathies. Identifiers: Orphanet 536391, MedGen C5555857, MONDO:0021060.

Allele frequency attached by ClinVar (database versions not stated): TOPMed below 0.00001.

Submissions (2):

Labcorp Genetics (formerly Invitae), Labcorp
Classification: Uncertain significance for RASopathy. Last evaluated: 2025-12-31. Review status: criteria provided, single submitter. Criteria: Invitae Variant Classification Sherloc (09022015). Collection method: clinical testing. Allele origin: germline.
Comment: This sequence change replaces serine, which is neutral and polar, with alanine, which is neutral and non-polar, at codon 186 of the SHOC2 protein (p.Ser186Ala). This variant is not present in population databases (gnomAD no frequency). This variant has not been reported in the literature in individuals affected with SHOC2-related conditions. ClinVar contains an entry for this variant (Variation ID: 996269). Invitae Evidence Modeling of protein sequence and biophysical properties (such as structural, functional, and spatial information, amino acid conservation, physicochemical variation, residue mobility, and thermodynamic stability) indicates that this missense variant is not expected to disrupt SHOC2 protein function with a negative predictive value of 80%. In summary, the available evidence is currently insufficient to determine the role of this variant in disease. Therefore, it has been classified as a Variant of Uncertain Significance.

Women's Health and Genetics/Laboratory Corporation of America, LabCorp
Classification: Uncertain significance. Last evaluated: 2021-01-07. Review status: criteria provided, single submitter. Criteria: LabCorp Variant Classification Summary - May 2015. Collection method: clinical testing. Allele origin: germline.
Comment: Variant summary: SHOC2 c.556T>G (p.Ser186Ala) results in a conservative amino acid change located in the Leucine-rich repeat domain (IPR001611) of the encoded protein sequence. Four of five in-silico tools predict a benign effect of the variant on protein function. The variant was absent in 250552 control chromosomes (gnomAD). The available data on variant occurrences in the general population are insufficient to allow any conclusion about variant significance. To our knowledge, no occurrence of c.556T>G in individuals affected with Noonan Syndrome and Related Conditions and no experimental evidence demonstrating its impact on protein function have been reported. No clinical diagnostic laboratories have submitted clinical-significance assessments for this variant to ClinVar after 2014. Based on the evidence outlined above, the variant was classified as uncertain significance.